The following is an entry in ClinVar:

ClinVar aggregate classification (germline): Pathogenic (1 of 4 stars; one submission).

Submission:

Labcorp Genetics (formerly Invitae), Labcorp
Classification: Pathogenic. Last evaluated: 2023-03-22. Review status: criteria provided, single submitter. Criteria: Invitae Variant Classification Sherloc (09022015). Collection method: clinical testing. Allele origin: germline.
Comment: For these reasons, this variant has been classified as Pathogenic. Algorithms developed to predict the effect of sequence changes on RNA splicing suggest that this variant may disrupt the consensus splice site. This variant has not been reported in the literature in individuals affected with PET100-related conditions. This variant is not present in population databases (gnomAD no frequency). This sequence change creates a premature translational stop signal (p.Trp22*) in the PET100 gene. It is expected to result in an absent or disrupted protein product. Loss-of-function variants in PET100 are known to be pathogenic (PMID: 24462369, 25293719, 31406627).

Literature cited by the submitters: PubMed 24462369; PubMed 25293719; PubMed 31406627.

NM_001171155.2(PET100):c.66G>A (p.Trp22Ter)

Genes: PET100 (PET100 cytochrome c oxidase chaperone; plus strand), STXBP2 (syntaxin binding protein 2; plus strand). Cytogenetic location: 19p13.2.
Variant type: single nucleotide variant.
Coding change: c.66G>A on transcript NM_001171155.2 (MANE Select); coding-DNA position 66, G replaced by A.
Protein change: p.Trp22Ter; replaces tryptophan 22 with a stop codon.
Molecular consequence: nonsense. On other transcripts: non-coding transcript variant (1), 5 prime UTR variant (1).
Genome position (GRCh38, 1-based): chr19:7,630,611, G>A. VCF-style: chr19-7630611-G-A. GRCh37 (hg19) VCF-style: chr19-7695497-G-A.
Other names: c.-132G>A (NM_001414484.1); short protein forms W22*.
Identifiers: ClinVar variation 2848577 (VCV002848577.3), dbSNP rs2031258865, ClinGen allele CA403153637.